The following is an entry in ClinVar:

NM_001009944.3(PKD1):c.3161T>C (p.Leu1054Pro)

Gene: PKD1 (polycystin 1, transient receptor potential channel interacting; minus strand). Cytogenetic location: 16p13.3.
Variant type: single nucleotide variant.
Coding change: c.3161T>C on transcript NM_001009944.3 (MANE Select); coding-DNA position 3161, T replaced by C.
Protein change: p.Leu1054Pro; replaces leucine 1054 with proline.
Molecular consequence: missense variant.
Genome position (GRCh38, 1-based): chr16:2,112,788, A>G on the plus strand (T>C on the coding strand, the complement: PKD1 is on the minus strand). VCF-style: chr16-2112788-A-G. GRCh37 (hg19) VCF-style: chr16-2162789-A-G.
Other names: c.3161T>C, p.Leu1054Pro (NM_000296.4); short protein forms L1054P.
Identifiers: ClinVar variation 3235985 (VCV003235985.1), dbSNP rs2544840969, ClinGen allele CA394384081.

ClinVar aggregate classification (germline): Uncertain significance (1 of 4 stars; one submission).

Conditions:
Polycystic kidney disease, adult type (PKD1). Also called: Polycystic Kidney Disease 1, Autosomal Dominant; Polycystic kidney disease 1; Polycystic kidney disease 1, severe; Polycystic Kidney, Autosomal Dominant; POLYCYSTIC KIDNEY DISEASE 1 WITH OR WITHOUT POLYCYSTIC LIVER DISEASE; POLYCYSTIC KIDNEY DISEASE, ADULT, TYPE I. Identifiers: MedGen C3149841, MONDO:0008263, OMIM 173900.

Submission:

MVZ Medizinische Genetik Mainz
Classification: Uncertain significance for Polycystic kidney disease, adult type. Last evaluated: 2023-04-13. Review status: criteria provided, single submitter. Criteria: UK Practice Guidelines For Variant Classification V4 01 2020. Collection method: clinical testing. Allele origin: germline. Inheritance: Autosomal dominant inheritance. Affected: yes. Observed: 1 variant allele.
Comment: ACMG Criteria: PM2_SUP,PP4